The following is an entry in ClinVar:

ClinVar aggregate classification (germline): Uncertain significance (1 of 4 stars; one submission).

Submission:

Illumina Laboratory Services, Illumina
Classification: Uncertain significance. Last evaluated: 2022-10-07. Review status: criteria provided, single submitter. Criteria: ICSL CNVClassificationCriteria Aug2020. Collection method: clinical testing. Allele origin: unknown. Affected: yes.
Comment: The YARS1 (previously named YARS) c.405A>T (p.Arg135Ser) missense variant results in the substitution of arginine at amino acid position 135 with serine. To our knowledge, this variant has not been reported in the peer-reviewed literature. This variant is not found in version 2.1.1 or version 3.1.2 of the Genome Aggregation Database. The c.405A>T variant lies within the catalytic domain of the protein. Based on the available evidence, the c.405A>T (p.Arg135Ser) variant is classified as a variant of uncertain significance.

NM_003680.4(YARS1):c.405A>T (p.Arg135Ser)

Gene: YARS1 (tyrosyl-tRNA synthetase 1; minus strand). Cytogenetic location: 1p35.1.
Variant type: single nucleotide variant.
Coding change: c.405A>T on transcript NM_003680.4 (MANE Select); coding-DNA position 405, A replaced by T.
Protein change: p.Arg135Ser; replaces arginine 135 with serine.
Molecular consequence: missense variant.
Genome position (GRCh38, 1-based): chr1:32,806,587, T>A on the plus strand (A>T on the coding strand, the complement: YARS1 is on the minus strand). VCF-style: chr1-32806587-T-A. GRCh37 (hg19) VCF-style: chr1-33272188-T-A.
Other names: short protein forms R135S.
Identifiers: ClinVar variation 2429401 (VCV002429401.3), dbSNP rs2523426780, ClinGen allele CA339686922.